The following is an entry in ClinVar:

ClinVar aggregate classification (germline): Uncertain significance (1 of 4 stars; one submission).

Conditions:
Hereditary nonpolyposis colorectal neoplasms. Identifiers: MedGen C0009405, MeSH D003123.

Submission:

Labcorp Genetics (formerly Invitae), Labcorp
Classification: Uncertain significance for Hereditary nonpolyposis colorectal neoplasms. Last evaluated: 2025-06-16. Review status: criteria provided, single submitter. Criteria: Invitae Variant Classification Sherloc (09022015). Collection method: clinical testing. Allele origin: germline.
Comment: This sequence change replaces isoleucine, which is neutral and non-polar, with phenylalanine, which is neutral and non-polar, at codon 66 of the PMS2 protein (p.Ile66Phe). This variant is not present in population databases (gnomAD no frequency). This variant has not been reported in the literature in individuals affected with PMS2-related conditions. ClinVar contains an entry for this variant (Variation ID: 1019911). Invitae Evidence Modeling incorporating data from in vitro experimental studies (internal data) indicates that this missense variant is not expected to disrupt PMS2 function with a negative predictive value of 95%. In summary, the available evidence is currently insufficient to determine the role of this variant in disease. Therefore, it has been classified as a Variant of Uncertain Significance.

NM_000535.7(PMS2):c.196A>T (p.Ile66Phe)

Gene: PMS2 (PMS1 homolog 2, mismatch repair system component; minus strand). Cytogenetic location: 7p22.1.
Variant type: single nucleotide variant.
Coding change: c.196A>T on transcript NM_000535.7 (MANE Select); coding-DNA position 196, A replaced by T.
Protein change: p.Ile66Phe; replaces isoleucine 66 with phenylalanine.
Molecular consequence: missense variant. On other transcripts: 5 prime UTR variant (11), non-coding transcript variant (1).
Genome position (GRCh38, 1-based): chr7:6,004,026, T>A on the plus strand (A>T on the coding strand, the complement: PMS2 is on the minus strand). VCF-style: chr7-6004026-T-A. GRCh37 (hg19) VCF-style: chr7-6043657-T-A.
Other names: c.-210A>T (NM_001322003.2, NM_001322004.2, NM_001322005.2 and 3 more transcripts); c.196A>T, p.Ile66Phe (NM_001322006.2, NM_001322014.2); c.-20A>T (NM_001322007.2, NM_001322008.2); c.-689A>T (NM_001322011.2, NM_001322012.2); c.-289A>T (NM_001322015.2); short protein forms I66F.
Identifiers: ClinVar variation 1019911 (VCV001019911.5), dbSNP rs1785423536, ClinGen allele CA366744872.
Genomic context (GRCh38, chr7:6,004,026, plus strand): 5'-ACTTACTTAAGCCTTCGAAGTTTTCTTCTTCTACCCCACATCCATTGTCTGAAACTTCAA[T>A]AAGATCCACTCCATAGTCCTTAAGCTTTAGATCTAGAAAGTTTAAAATATTTACATATTT-3'
Protein context (NP_000526.2, residues 56-76): LKLKDYGVDL[Ile66Phe]EVSDNGCGVE